The following is an entry in ClinVar:

NM_004186.5(SEMA3F):c.44G>A (p.Gly15Glu)

Gene: SEMA3F (semaphorin 3F; plus strand). Cytogenetic location: 3p21.31.
Variant type: single nucleotide variant.
Coding change: c.44G>A on transcript NM_004186.5 (MANE Select); coding-DNA position 44, G replaced by A.
Protein change: p.Gly15Glu; replaces glycine 15 with glutamic acid.
Molecular consequence: missense variant. On other transcripts: intron variant (1).
Genome position (GRCh38, 1-based): chr3:50,159,666, G>A. VCF-style: chr3-50159666-G-A. GRCh37 (hg19) VCF-style: chr3-50197099-G-A.
Other names: c.44G>A, p.Gly15Glu (NM_001318800.2); c.-135-26G>A (NM_001318798.2); short protein forms G15E.
Identifiers: ClinVar variation 4991917 (VCV004991917.1).

ClinVar aggregate classification (germline): Uncertain significance (1 of 4 stars; one submission).

Conditions:
SEMA3F-related disorder. Also called: SEMA3F-related condition.

Submission:

PreventionGenetics, part of Exact Sciences
Classification: Uncertain significance for SEMA3F-related condition. Last evaluated: 2026-03-21. Review status: criteria provided, single submitter. Criteria: ACMG Guidelines, 2015. Collection method: clinical testing. Allele origin: germline.
Comment: The SEMA3F c.44G>A variant is predicted to result in the amino acid substitution p.Gly15Glu. To our knowledge, this variant has not been reported in the literature or in a large population database (gnomAD), indicating this variant is rare. At this time, the clinical significance of this variant is uncertain due to the absence of conclusive functional and genetic evidence.